The following is an entry in ClinVar:

NM_012213.3(MLYCD):c.134G>T (p.Arg45Leu)

Genes: MLYCD (malonyl-CoA decarboxylase; plus strand), LOC130059554 (ATAC-STARR-seq lymphoblastoid silent region 7769; plus strand). Cytogenetic location: 16q23.3.
Variant type: single nucleotide variant.
Coding change: c.134G>T on transcript NM_012213.3 (MANE Select); coding-DNA position 134, G replaced by T.
Protein change: p.Arg45Leu; replaces arginine 45 with leucine.
Molecular consequence: missense variant.
Genome position (GRCh38, 1-based): chr16:83,899,278, G>T. VCF-style: chr16-83899278-G-T. GRCh37 (hg19) VCF-style: chr16-83932883-G-T.
Other names: short protein forms R45L.
Identifiers: ClinVar variation 1995053 (VCV001995053.2), dbSNP rs1365443024, ClinGen allele CA396917712.

ClinVar aggregate classification (germline): Uncertain significance. Review status: criteria provided, multiple submitters, no conflicts (2 of 4 stars). 2 submissions from 2 submitters: Uncertain significance (2). Last evaluated 2025-02-19.

Conditions:
Inborn genetic diseases. Identifiers: MedGen C0950123, MeSH D030342.
Deficiency of malonyl-CoA decarboxylase. Also called: Malonic aciduria; MCD deficiency. Identifiers: Orphanet 943, MedGen C0342793, MONDO:0009556, OMIM 248360.

gnomAD v4.1: 1 of 1,468,914 alleles (0.000068%); highest among the groups gnomAD compares: South Asian, 0.0013%; no homozygotes.

Submissions (2):

Ambry Genetics
Classification: Uncertain significance for Inborn genetic diseases. Last evaluated: 2025-02-19. Review status: criteria provided, single submitter. Criteria: Ambry Variant Classification Scheme 2023. Collection method: clinical testing. Allele origin: germline.

Labcorp Genetics (formerly Invitae), Labcorp
Classification: Uncertain significance for Deficiency of malonyl-CoA decarboxylase. Last evaluated: 2022-03-01. Review status: criteria provided, single submitter. Criteria: Invitae Variant Classification Sherloc (09022015). Collection method: clinical testing. Allele origin: germline.
Comment: This sequence change replaces arginine, which is basic and polar, with leucine, which is neutral and non-polar, at codon 45 of the MLYCD protein (p.Arg45Leu). This variant is not present in population databases (gnomAD no frequency). This variant has not been reported in the literature in individuals affected with MLYCD-related conditions. Algorithms developed to predict the effect of missense changes on protein structure and function (SIFT, PolyPhen-2, Align-GVGD) all suggest that this variant is likely to be tolerated. In summary, the available evidence is currently insufficient to determine the role of this variant in disease. Therefore, it has been classified as a Variant of Uncertain Significance.